The following is an entry in ClinVar:

NM_015338.6(ASXL1):c.2026G>A (p.Glu676Lys)

Gene: ASXL1 (ASXL transcriptional regulator 1; plus strand). Cytogenetic location: 20q11.21.
Variant type: single nucleotide variant.
Coding change: c.2026G>A on transcript NM_015338.6 (MANE Select); coding-DNA position 2026, G replaced by A.
Protein change: p.Glu676Lys; replaces glutamic acid 676 with lysine.
Molecular consequence: missense variant.
Genome position (GRCh38, 1-based): chr20:32,434,738, G>A. VCF-style: chr20-32434738-G-A. GRCh37 (hg19) VCF-style: chr20-31022541-G-A.
Other names: c.1843G>A, p.Glu615Lys (NM_001363734.1); short protein forms E676K, E615K.
Identifiers: ClinVar variation 3957831 (VCV003957831.1).
Genomic context (GRCh38, chr20:32,434,738, plus strand): 5'-GATGAGGGAGGTGGCAGAGGCAGCAGCAGTGGTGATGGTGGTGAGGCCTGTGGCCACCCT[G>A]AGCCCAGGGGAGGCCCGAGCACCCCTGGAAAGTGTACGTCAGATCTACAGCGAACACAAC-3'
Protein context (NP_056153.2, residues 666-686): GDGGEACGHP[Glu676Lys]PRGGPSTPGK

ClinVar aggregate classification (germline): Uncertain significance (1 of 4 stars; one submission).

Conditions:
Inborn genetic diseases. Identifiers: MedGen C0950123, MeSH D030342.

gnomAD v4.1: 6 of 1,612,810 alleles (0.00037%); highest among the groups gnomAD compares: Non-Finnish European, 0.00051%; no homozygotes.

Submission:

Ambry Genetics
Classification: Uncertain significance for Inborn genetic diseases. Last evaluated: 2025-06-12. Review status: criteria provided, single submitter. Criteria: Ambry Variant Classification Scheme 2023. Collection method: clinical testing. Allele origin: germline.
Comment: The p.E676K variant (also known as c.2026G>A), located in coding exon 13 of the ASXL1 gene, results from a G to A substitution at nucleotide position 2026. The glutamic acid at codon 676 is replaced by lysine, an amino acid with similar properties. This amino acid position is conserved. In addition, this alteration is predicted to be tolerated by in silico analysis. Based on the available evidence, the clinical significance of this variant remains unclear.